The following is an entry in ClinVar:

NM_018685.5(ANLN):c.2270C>T (p.Ala757Val)

Gene: ANLN (anillin, actin binding protein; plus strand). Cytogenetic location: 7p14.2.
Variant type: single nucleotide variant.
Coding change: c.2270C>T on transcript NM_018685.5 (MANE Select); coding-DNA position 2270, C replaced by T.
Protein change: p.Ala757Val; replaces alanine 757 with valine.
Molecular consequence: missense variant.
Genome position (GRCh38, 1-based): chr7:36,421,963, C>T. VCF-style: chr7-36421963-C-T. GRCh37 (hg19) VCF-style: chr7-36461572-C-T.
Other names: c.2159C>T, p.Ala720Val (NM_001284301.3); c.2156C>T, p.Ala719Val (NM_001284302.3); short protein forms A720V, A757V, A719V.
Identifiers: ClinVar variation 1350829 (VCV001350829.8), dbSNP rs2116668542, ClinGen allele CA367213506.

ClinVar aggregate classification (germline): Uncertain significance (1 of 4 stars; one submission).

Submission:

Labcorp Genetics (formerly Invitae), Labcorp
Classification: Uncertain significance. Last evaluated: 2025-05-12. Review status: criteria provided, single submitter. Criteria: Invitae Variant Classification Sherloc (09022015). Collection method: clinical testing. Allele origin: germline.
Comment: This sequence change replaces alanine, which is neutral and non-polar, with valine, which is neutral and non-polar, at codon 757 of the ANLN protein (p.Ala757Val). This variant is not present in population databases (gnomAD no frequency). This variant has not been reported in the literature in individuals affected with ANLN-related conditions. ClinVar contains an entry for this variant (Variation ID: 1350829). Invitae Evidence Modeling of protein sequence and biophysical properties (such as structural, functional, and spatial information, amino acid conservation, physicochemical variation, residue mobility, and thermodynamic stability) indicates that this missense variant is not expected to disrupt ANLN protein function with a negative predictive value of 80%. In summary, the available evidence is currently insufficient to determine the role of this variant in disease. Therefore, it has been classified as a Variant of Uncertain Significance.